The following is an entry in ClinVar:

NM_182914.3(SYNE2):c.12121C>T (p.Arg4041Cys)

Gene: SYNE2 (spectrin repeat containing nuclear envelope protein 2; plus strand). Cytogenetic location: 14q23.2.
Variant type: single nucleotide variant.
Coding change: c.12121C>T on transcript NM_182914.3 (MANE Select); coding-DNA position 12121, C replaced by T.
Protein change: p.Arg4041Cys; replaces arginine 4041 with cysteine.
Molecular consequence: missense variant.
Genome position (GRCh38, 1-based): chr14:64,097,961, C>T. VCF-style: chr14-64097961-C-T. GRCh37 (hg19) VCF-style: chr14-64564679-C-T.
Other names: c.12121C>T, p.Arg4041Cys (NM_015180.6); short protein forms R4041C.
Identifiers: ClinVar variation 470920 (VCV000470920.18), dbSNP rs146197259, ClinGen allele CA7222023.
Genomic context (GRCh38, chr14:64,097,961, plus strand): 5'-CAGAGGCCTCAGACTTCTCAAACCTATGCAAACACTCTTTCTACACAGGGAGAAATCGAA[C>T]GTATGGAGAAACAGATTCTGAGTTTGAACCAGAGAAAAGAAGACCTGTTGGTGGACTTGA-3'
Protein context (NP_878918.2, residues 4031-4051): KLPQLQGEIE[Arg4041Cys]MEKQILSLNQ

ClinVar aggregate classification (germline): Benign/Likely benign. Review status: criteria provided, multiple submitters, no conflicts (2 of 4 stars). 5 submissions from 5 submitters: Benign (1); Likely benign (3). 1 of the submissions does not count toward it. Last evaluated 2026-01-27.

Conditions:
Emery-Dreifuss muscular dystrophy 5, autosomal dominant (EDMD5). Also called: EMERY-DREIFUSS MUSCULAR DYSTROPHY 5. Identifiers: Orphanet 261, MedGen C2751805, MONDO:0013072, OMIM 612999.
SYNE2-related disorder. Also called: SYNE2-related condition.

Allele frequency attached by ClinVar (database versions not stated): gnomAD exomes 0.00012 and 0.00027; ExAC 0.00017; gnomAD 0.00025 and 0.00029; TOPMed 0.00025; ESP Exome Variant Server 0.00031; 1000 Genomes Project 30x 0.00125; 1000 Genomes Project 0.00140.
gnomAD v4.1: 265 of 1,614,204 alleles (0.016%); highest among the groups gnomAD compares: East Asian, 0.13%; 4 homozygotes.

Submissions (5):

Labcorp Genetics (formerly Invitae), Labcorp
Classification: Likely benign for Emery-Dreifuss muscular dystrophy 5, autosomal dominant. Last evaluated: 2026-01-27. Review status: criteria provided, single submitter. Criteria: Invitae Variant Classification Sherloc (09022015). Collection method: clinical testing. Allele origin: germline.

Blueprint Genetics
Classification: Likely benign. Last evaluated: 2024-10-03. Review status: criteria provided, single submitter. Criteria: ACMG Guidelines, 2015. Collection method: clinical testing. Allele origin: germline.

Illumina Laboratory Services, Illumina
Classification: Benign for Emery-Dreifuss muscular dystrophy 5, autosomal dominant. Last evaluated: 2018-01-13. Review status: criteria provided, single submitter. Criteria: ICSL Variant Classification Criteria 13 December 2019. Collection method: clinical testing. Allele origin: germline.
Comment: This variant was observed in the ICSL laboratory as part of a predisposition screen in an ostensibly healthy population. It had not been previously curated by ICSL or reported in the Human Gene Mutation Database (HGMD: prior to June 1st, 2018), and was therefore a candidate for classification through an automated scoring system. Utilizing variant allele frequency, disease prevalence and penetrance estimates, and inheritance mode, an automated score was calculated to assess if this variant is too frequent to cause the disease. Based on the score and internal cut-off values, a variant classified as benign is not then subjected to further curation. The score for this variant resulted in a classification of benign for this disease.

Breakthrough Genomics
Classification: Likely benign. Review status: criteria provided, single submitter. Criteria: ACMG Guidelines, 2015. Collection method: not provided. Allele origin: germline. Inheritance: Autosomal dominant inheritance. Affected: yes.

PreventionGenetics, part of Exact Sciences
Classification: Likely benign for SYNE2-related condition. Last evaluated: 2019-08-01. Review status: no assertion criteria provided. Collection method: clinical testing. Allele origin: germline. Not counted in ClinVar's aggregate classification.
Comment: This variant is classified as likely benign based on ACMG/AMP sequence variant interpretation guidelines (Richards et al. 2015 PMID: 25741868, with internal and published modifications).